The following is an entry in ClinVar:

ClinVar aggregate classification (germline): Pathogenic (1 of 4 stars; one submission).

Conditions:
Rare genetic deafness. Identifiers: Orphanet 96210, MedGen C5680250.

Submission:

Laboratory for Molecular Medicine, Mass General Brigham Personalized Medicine
Classification: Pathogenic for Rare genetic deafness. Last evaluated: 2015-05-05. Review status: criteria provided, single submitter. Criteria: LMM Criteria. Collection method: clinical testing. Allele origin: germline. Inheritance: Autosomal recessive inheritance. Observed: 1 variant allele.
Comment: The p.Ile1949fs variant in MYO7A has not been previously reported in individuals with hearing loss or Usher syndrome. It has not been identified in large popul ation studies, though the ability of these studies to accurately detect indels m ay be limited. This variant is predicted to cause a frameshift, which alters th e protein?s amino acid sequence beginning at position 1949 and leads to a premat ure termination codon 6 amino acids downstream. This alteration is then predicte d to lead to a truncated or absent protein. Loss of function of the MYO7A gene is an established disease mechanism in autosomal recessive Usher syndrome. In s ummary, this variant meets our criteria to be classified as pathogenic for autos omal recessive Usher syndrome, based on the predicted impact to the protein.

NC_000011.10:g.77207391_77207401del

Gene: MYO7A (myosin VIIA; plus strand). Cytogenetic location: 11q13.5.
Variant type: Deletion.
Genome position: GRCh38 VCF-style: chr11-77207388-AAAATTGCAGAC-A. GRCh37 (hg19) VCF-style: chr11-76918433-AAAATTGCAGAC-A.
Other names: c.5845_5855del, p.Ile1949fs (NM_000260.4); c.5731_5741del, p.Ile1911fs (NM_001127180.2); c.5698_5708del, p.Ile1900fs (NM_001369365.1); short protein forms I1911fs, I1949fs, I1900fs.
Identifiers: ClinVar variation 228380 (VCV000228380.4), dbSNP rs876657713, ClinGen allele CA10576904.
Genomic context (GRCh38, chr11:77,207,388, plus strand): 5'-TGCCAGAACATCGCCACCAGGCTGCTCCTCAAGTCCTCAGAGGGATTCAGCCTCTTTGTC[AAAATTGCAGAC>A]AAGGTGGGTCCTTTGCCACCTTCGCCAAGGTGGGAGATTTGCTGGGGCCATAGGAACTTA-3'